The following is an entry in ClinVar:

ClinVar aggregate classification (germline): Conflicting classifications of pathogenicity. Review status: criteria provided, conflicting classifications (1 of 4 stars). 16 submissions from 14 submitters: Uncertain significance (13); Benign (1); Likely benign (1). 1 of the submissions does not count toward it. Last evaluated 2026-06-30.

Conditions:
Cardiomyopathy (CMYO). Also called: Cardiomyopathies. Identifiers: Orphanet 167848, MedGen C0878544, MONDO:0004994, HP:0001638. Inheritance: Various modes of inheritance.
Hypertrophic cardiomyopathy 1 (CMH1). Also called: Familial hypertrophic cardiomyopathy 1; MYH7-Related Familial Hypertrophic Cardiomyopathy. Identifiers: MedGen C3495498, MONDO:0008647, OMIM 192600.
Dilated cardiomyopathy 1S (CMD1S). Identifiers: Orphanet 154, Orphanet 54260, MedGen C1834481, MONDO:0013262, OMIM 613426.
Hypertrophic cardiomyopathy. Also called: HYPERTROPHIC MYOCARDIOPATHY. Identifiers: Orphanet 217569, MedGen C0007194, MeSH D002312, MONDO:0005045, HP:0001639.
Myosin storage myopathy (CMYO7A). Also called: Scapuloperoneal myopathy, MYH7-related; MYOPATHY, HYALINE BODY, AUTOSOMAL DOMINANT; SCAPULOPERONEAL MUSCULAR DYSTROPHY; SCAPULOPERONEAL SYNDROME, MYOPATHIC TYPE; MYOPATHY WITH LYSIS OF TYPE I MYOFIBRILS; MYH7-related late-onset scapuloperoneal muscular dystrophy. Identifiers: Orphanet 437572, Orphanet 636965, MedGen C1842160, MONDO:0008409, OMIM 608358.
Cardiovascular phenotype. Identifiers: MedGen CN230736.
MYH7-related skeletal myopathy. Also called: Myopathy, distal, 1; MYOPATHY, DISTAL, EARLY-ONSET, AUTOSOMAL DOMINANT; MYOPATHY, LATE DISTAL HEREDITARY; Laing early-onset distal myopathy; Laing distal myopathy. Identifiers: Orphanet 59135, MedGen C4552004, MONDO:0008050, OMIM 160500.

Allele frequency attached by ClinVar (database versions not stated): gnomAD 0.00003 and 0.00004; TOPMed 0.00003.
gnomAD v4.1: 175 of 1,612,306 alleles (0.011%); highest among the groups gnomAD compares: Non-Finnish European, 0.014%; no homozygotes.

Submissions 1 to 13 of 16:

Women's Health and Genetics/Laboratory Corporation of America, LabCorp
Classification: Uncertain significance. Last evaluated: 2026-06-30. Review status: criteria provided, single submitter. Criteria: LabCorp Variant Classification Summary - May 2015. Collection method: clinical testing. Allele origin: germline.
Comment: Variant summary: MYH7 c.5507C>T (p.Ser1836Leu) results in a non-conservative amino acid change in the encoded protein sequence. Algorithms developed to predict the effect of missense changes on protein structure and function are either unavailable or do not agree on the potential impact of this missense change. The variant allele was found at a frequency of 6.4e-05 in 250392 control chromosomes. This frequency is not significantly higher than the estimate for disease-causing variants in MYH7, so no conclusion can be drawn about variant significance. c.5507C>T has been observed in individual(s) affected with MYH7-related conditions (e.g. Morita_2008). These data do not allow any conclusion about variant significance. To our knowledge, no experimental evidence demonstrating an impact on protein function has been reported. The following publications have been ascertained in the context of this evaluation (PMID: 29540472, 35629155, 37652022, 18403758, 33495596, 34495297). ClinVar contains an entry for this variant (Variation ID: 164268). Based on the evidence outlined above, the variant was classified as uncertain significance.

Labcorp Genetics (formerly Invitae), Labcorp
Classification: Uncertain significance for Hypertrophic cardiomyopathy. Last evaluated: 2026-01-05. Review status: criteria provided, single submitter. Criteria: Invitae Variant Classification Sherloc (09022015). Collection method: clinical testing. Allele origin: germline.
Comment: This sequence change replaces serine, which is neutral and polar, with leucine, which is neutral and non-polar, at codon 1836 of the MYH7 protein (p.Ser1836Leu). This variant is present in population databases (rs727503242, gnomAD 0.03%). This missense change has been observed in individual(s) with MYH7-related conditions (PMID: 18403758, 29540472, 33495596, 34495297, 37652022). ClinVar contains an entry for this variant (Variation ID: 164268). Invitae Evidence Modeling of protein sequence and biophysical properties (such as structural, functional, and spatial information, amino acid conservation, physicochemical variation, residue mobility, and thermodynamic stability) has been performed for this missense variant. However, the output from this modeling did not meet the statistical confidence thresholds required to predict the impact of this variant on MYH7 protein function. In summary, the available evidence is currently insufficient to determine the role of this variant in disease. Therefore, it has been classified as a Variant of Uncertain Significance.

Molecular Diagnostic Laboratory for Inherited Cardiovascular Disease, Montreal Heart Institute
Classification: Uncertain significance for Cardiovascular phenotype. Last evaluated: 2025-04-09. Review status: criteria provided, single submitter. Criteria: ACMG Guidelines, 2015. Collection method: clinical testing. Allele origin: germline. Affected: yes.

Ambry Genetics
Classification: Likely benign for Cardiovascular phenotype. Last evaluated: 2024-09-09. Review status: criteria provided, single submitter. Criteria: Ambry Variant Classification Scheme 2023. Collection method: clinical testing. Allele origin: germline.

Blueprint Genetics
Classification: Uncertain significance. Last evaluated: 2024-08-29. Review status: criteria provided, single submitter. Criteria: ACMG Guidelines, 2015. Collection method: clinical testing. Allele origin: germline.

All of Us Research Program, National Institutes of Health
Classification: Uncertain significance for Cardiomyopathy. Last evaluated: 2024-08-13. Review status: criteria provided, single submitter. Criteria: ACMG Guidelines, 2015. Collection method: clinical testing. Allele origin: germline. Inheritance: Autosomal dominant inheritance. Observed: 8 variant alleles, 8 heterozygotes.
Comment: This missense variant replaces serine with leucine at codon 1836 of the MYH7 protein. Computational prediction suggests that this variant may not impact protein structure and function (internally defined REVEL score threshold <= 0.5, PMID: 27666373). To our knowledge, functional studies have not been reported for this variant. This variant has been reported in two individuals affected with hypertrophic cardiomyopathy (PMID: 18403758, 33495596). This variant has been identified in 20/281784 chromosomes in the general population by the Genome Aggregation Database (gnomAD). The available evidence is insufficient to determine the role of this variant in disease conclusively. Therefore, this variant is classified as a Variant of Uncertain Significance.

This study involves interpretation of variants in research participants for the purpose of population health screening. Participant phenotype was not available at the time of variant classification. Additional details can be found in publication PMID: 35346344, PMCID: PMC8962531

Lildballe Lab, Aarhus University Hospital
Classification: Uncertain significance for Hypertrophic cardiomyopathy. Last evaluated: 2024-03-01. Review status: criteria provided, single submitter. Criteria: ACMG Guidelines, 2015. Collection method: research. Allele origin: germline. Affected: yes.
Comment: PM1(m), PM2(sup), PP3(sup)

Color Diagnostics, LLC DBA Color Health
Classification: Uncertain significance for Cardiomyopathy. Last evaluated: 2024-01-30. Review status: criteria provided, single submitter. Criteria: ACMG Guidelines, 2015. Collection method: clinical testing. Allele origin: germline.
Comment: This missense variant replaces serine with leucine at codon 1836 of the MYH7 protein. Computational prediction tools indicate that this variant has a neutral impact on protein structure and function. To our knowledge, functional studies have not been reported for this variant. This variant has been reported in two individuals affected with hypertrophic cardiomyopathy (PMID: 18403758, 33495596). This variant has been identified in 20/281784 chromosomes in the general population by the Genome Aggregation Database (gnomAD). The available evidence is insufficient to determine the role of this variant in disease conclusively. Therefore, this variant is classified as a Variant of Uncertain Significance.

KardioGenetik, Herz- und Diabeteszentrum NRW
Classification: Uncertain significance for Dilated cardiomyopathy 1S. Last evaluated: 2023-11-13. Review status: criteria provided, single submitter. Criteria: ACMG Guidelines, 2015. Collection method: clinical testing. Allele origin: unknown. Affected: yes. Observed: 1 variant allele.

CHEO Genetics Diagnostic Laboratory, Children's Hospital of Eastern Ontario
Classification: Uncertain significance for Cardiomyopathy. Last evaluated: 2023-04-03. Review status: criteria provided, single submitter. Criteria: ACMG Guidelines, 2015. Collection method: clinical testing. Allele origin: germline.

GeneDx
Classification: Uncertain significance. Last evaluated: 2019-09-13. Review status: criteria provided, single submitter. Criteria: GeneDx Variant Classification Process June 2021. Collection method: clinical testing. Allele origin: germline. Affected: yes.
Comment: Reported in ClinVar as a variant of uncertain significance (ClinVar Variant ID# 164268; Landrum et al., 2016); In silico analysis, which includes protein predictors and evolutionary conservation, supports that this variant does not alter protein structure/function; This variant is associated with the following publications: (PMID: 18403758, 29540472, 32880476)

Illumina Laboratory Services, Illumina
Classification: Uncertain significance for Myosin storage myopathy. Last evaluated: 2017-04-28. Review status: criteria provided, single submitter. Criteria: ICSL Variant Classification Criteria 13 December 2019. Collection method: clinical testing. Allele origin: germline.

Illumina Laboratory Services, Illumina
Classification: Benign for MYH7-related skeletal myopathy. Last evaluated: 2017-04-28. Review status: criteria provided, single submitter. Criteria: ICSL Variant Classification Criteria 13 December 2019. Collection method: clinical testing. Allele origin: germline.
Comment: This variant was observed as part of a predisposition screen in an ostensibly healthy population. A literature search was performed for the gene, cDNA change, and amino acid change (where applicable). No publications were found based on this search. Allele frequency data from public databases was too high to be consistent with this variant causing disease. Therefore, this variant is classified as benign.

NM_000257.4(MYH7):c.5507C>T (p.Ser1836Leu)

Gene: MYH7 (myosin heavy chain 7; minus strand). Cytogenetic location: 14q11.2.
Variant type: single nucleotide variant.
Coding change: c.5507C>T on transcript NM_000257.4 (MANE Select); coding-DNA position 5507, C replaced by T.
Protein change: p.Ser1836Leu; replaces serine 1836 with leucine.
Molecular consequence: missense variant.
Genome position (GRCh38, 1-based): chr14:23,415,047, G>A on the plus strand (C>T on the coding strand, the complement: MYH7 is on the minus strand). VCF-style: chr14-23415047-G-A. GRCh37 (hg19) VCF-style: chr14-23884256-G-A.
Other names: short protein forms S1836L.
Identifiers: ClinVar variation 164268 (VCV000164268.44), dbSNP rs727503242, ClinGen allele CA016175.